The following is an entry in ClinVar:

ClinVar aggregate classification (germline): Uncertain significance (1 of 4 stars; one submission).

Submission:

Labcorp Genetics (formerly Invitae), Labcorp
Classification: Uncertain significance. Last evaluated: 2021-03-10. Review status: criteria provided, single submitter. Criteria: Invitae Variant Classification Sherloc (09022015). Collection method: clinical testing. Allele origin: germline.
Comment: Algorithms developed to predict the effect of missense changes on protein structure and function are either unavailable or do not agree on the potential impact of this missense change (SIFT: "Deleterious"; PolyPhen-2: "Probably Damaging"; Align-GVGD: "Class C0"). This sequence change replaces alanine with threonine at codon 209 of the CTNNA1 protein (p.Ala209Thr). The alanine residue is highly conserved and there is a small physicochemical difference between alanine and threonine. This variant is not present in population databases (ExAC no frequency). This variant has not been reported in the literature in individuals with CTNNA1-related conditions. In summary, the available evidence is currently insufficient to determine the role of this variant in disease. Therefore, it has been classified as a Variant of Uncertain Significance.

NM_001903.5(CTNNA1):c.625G>A (p.Ala209Thr)

Gene: CTNNA1 (catenin alpha 1; plus strand). Cytogenetic location: 5q31.2.
Variant type: single nucleotide variant.
Coding change: c.625G>A on transcript NM_001903.5 (MANE Select); coding-DNA position 625, G replaced by A.
Protein change: p.Ala209Thr; replaces alanine 209 with threonine.
Molecular consequence: missense variant.
Genome position (GRCh38, 1-based): chr5:138,824,566, G>A. VCF-style: chr5-138824566-G-A. GRCh37 (hg19) VCF-style: chr5-138160255-G-A.
Other names: c.625G>A, p.Ala209Thr (NM_001290307.3, NM_001323982.2, NM_001323983.1 and 3 more transcripts); c.316G>A, p.Ala106Thr (NM_001290309.3); c.256G>A, p.Ala86Thr (NM_001290310.3); short protein forms A86T, A106T, A209T.
Identifiers: ClinVar variation 1489877 (VCV001489877.8), dbSNP rs2149775587, ClinGen allele CA361129496.